The following is an entry in ClinVar:

NM_000302.4(PLOD1):c.1865C>T (p.Pro622Leu)

Gene: PLOD1 (procollagen-lysine,2-oxoglutarate 5-dioxygenase 1; plus strand). Cytogenetic location: 1p36.22.
Variant type: single nucleotide variant.
Coding change: c.1865C>T on transcript NM_000302.4 (MANE Select); coding-DNA position 1865, C replaced by T.
Protein change: p.Pro622Leu; replaces proline 622 with leucine.
Molecular consequence: missense variant.
Genome position (GRCh38, 1-based): chr1:11,970,779, C>T. VCF-style: chr1-11970779-C-T. GRCh37 (hg19) VCF-style: chr1-12030836-C-T.
Other names: c.2006C>T, p.Pro669Leu (NM_001316320.2); short protein forms P622L, P669L.
Identifiers: ClinVar variation 520108 (VCV000520108.15), dbSNP rs766973023, ClinGen allele CA598589.

ClinVar aggregate classification (germline): Uncertain significance. Review status: criteria provided, multiple submitters, no conflicts (2 of 4 stars). 4 submissions from 4 submitters: Uncertain significance (4). Last evaluated 2024-06-17.

Conditions:
Familial thoracic aortic aneurysm and aortic dissection (TAAD). Also called: Thoracic aortic aneurysms and dissections. Identifiers: Orphanet 91387, MedGen C4707243, MONDO:0019625.
Ehlers-Danlos syndrome (EDS). Identifiers: Orphanet 98249, MedGen C0013720, MONDO:0020066.
Ehlers-Danlos syndrome, kyphoscoliotic type 1 (EDSKSCL1). Also called: EHLERS-DANLOS SYNDROME, OCULAR-SCOLIOTIC TYPE; Ehlers-Danlos syndrome, hydroxylysine-deficient; PLOD1-Related Kyphoscoliotic Ehlers-Danlos Syndrome; EHLERS-DANLOS SYNDROME, TYPE VIA. Identifiers: Orphanet 1900, MedGen C0268342, MONDO:0016002, OMIM 225400. Disease mechanism: loss of function.

Allele frequency attached by ClinVar (database versions not stated): gnomAD exomes 0.00001 and 0.00002; ExAC 0.00002; TOPMed 0.00002; gnomAD 0.00003.
gnomAD v4.1: 30 of 1,610,022 alleles (0.0019%); highest among the groups gnomAD compares: Non-Finnish European, 0.0025%; no homozygotes.

Submissions (4):

Women's Health and Genetics/Laboratory Corporation of America, LabCorp
Classification: Uncertain significance. Last evaluated: 2024-06-17. Review status: criteria provided, single submitter. Criteria: LabCorp Variant Classification Summary - May 2015. Collection method: clinical testing. Allele origin: germline.

Ambry Genetics
Classification: Uncertain significance for Familial thoracic aortic aneurysm and aortic dissection. Last evaluated: 2023-02-19. Review status: criteria provided, single submitter. Criteria: Ambry Variant Classification Scheme 2023. Collection method: clinical testing. Allele origin: germline.
Comment: The p.P622L variant (also known as c.1865C>T), located in coding exon 17 of the PLOD1 gene, results from a C to T substitution at nucleotide position 1865. The proline at codon 622 is replaced by leucine, an amino acid with similar properties. This amino acid position is highly conserved in available vertebrate species. In addition, this alteration is predicted to be deleterious by in silico analysis. Since supporting evidence is limited at this time, the clinical significance of this alteration remains unclear.

Labcorp Genetics (formerly Invitae), Labcorp
Classification: Uncertain significance for Ehlers-Danlos syndrome, kyphoscoliotic type 1. Last evaluated: 2021-08-28. Review status: criteria provided, single submitter. Criteria: Invitae Variant Classification Sherloc (09022015). Collection method: clinical testing. Allele origin: germline.
Comment: This sequence change replaces proline with leucine at codon 622 of the PLOD1 protein (p.Pro622Leu). The proline residue is highly conserved and there is a moderate physicochemical difference between proline and leucine. This variant is present in population databases (rs766973023, ExAC 0.003%). This variant has not been reported in the literature in individuals affected with PLOD1-related conditions. ClinVar contains an entry for this variant (Variation ID: 520108). Algorithms developed to predict the effect of missense changes on protein structure and function are either unavailable or do not agree on the potential impact of this missense change (SIFT: "Deleterious"; PolyPhen-2: "Probably Damaging"; Align-GVGD: "Class C0"). In summary, the available evidence is currently insufficient to determine the role of this variant in disease. Therefore, it has been classified as a Variant of Uncertain Significance.

Genome Diagnostics Laboratory, The Hospital for Sick Children
Classification: Uncertain significance for Ehlers-Danlos syndrome. Last evaluated: 2021-01-13. Review status: criteria provided, single submitter. Criteria: ACMG Guidelines, 2015. Collection method: clinical testing. Allele origin: germline.